The following is an entry in ClinVar:

ClinVar aggregate classification (germline): Likely pathogenic (1 of 4 stars; one submission).

Conditions:
Usher syndrome. Also called: Usher's syndrome; Usher Syndromes. Identifiers: Orphanet 886, MedGen CN469326, MeSH D052245, MONDO:0019501. Disease mechanism: loss of function.

gnomAD v4.1: 1 of 1,609,964 alleles (0.000062%); highest among the groups gnomAD compares: South Asian, 0.0011%; no homozygotes.

Submission:

Women's Health and Genetics/Laboratory Corporation of America, LabCorp
Classification: Likely pathogenic for Retinitis pigmentosa-deafness syndrome. Last evaluated: 2022-01-19. Review status: criteria provided, single submitter. Criteria: LabCorp Variant Classification Summary - May 2015. Collection method: clinical testing. Allele origin: germline.
Comment: Variant summary: USH1G c.502G>T (p.Glu168X) results in a premature termination codon, predicted to cause a truncation of the encoded protein or absence of the protein due to nonsense mediated decay, which are commonly known mechanisms for disease. Truncations downstream of this position have been reported in HGMD in association with Usher Syndrome. The variant was absent in 246662 control chromosomes. To our knowledge, no occurrence of c.502G>T in individuals affected with Usher Syndrome and no experimental evidence demonstrating its impact on protein function have been reported. No clinical diagnostic laboratories have submitted clinical-significance assessments for this variant to ClinVar after 2014. Based on the evidence outlined above, the variant was classified as likely pathogenic.

NM_173477.5(USH1G):c.502G>T (p.Glu168Ter)

Gene: USH1G (USH1 protein network component sans; minus strand). Cytogenetic location: 17q25.1.
Variant type: single nucleotide variant.
Coding change: c.502G>T on transcript NM_173477.5 (MANE Select); coding-DNA position 502, G replaced by T.
Protein change: p.Glu168Ter; replaces glutamic acid 168 with a stop codon.
Molecular consequence: nonsense.
Genome position (GRCh38, 1-based): chr17:74,920,334, C>A on the plus strand (G>T on the coding strand, the complement: USH1G is on the minus strand). VCF-style: chr17-74920334-C-A. GRCh37 (hg19) VCF-style: chr17-72916429-C-A.
Other names: c.193G>T, p.Glu65Ter (NM_001282489.3); short protein forms E168*, E65*.
Identifiers: ClinVar variation 1339725 (VCV001339725.1), dbSNP rs1226851798, ClinGen allele CA400965006.
Genomic context (GRCh38, chr17:74,920,334, plus strand): 5'-GGCTCAGGGTGCTGGACGTGAGGCTGGAGAAGCTGAGGGTGTCGGAACGCTCGGCCAGCT[C>A]GCGCCGGTATCGCCGCTCCATGCGTTCGTGGTGCCTCCGCTGCAGCTTGGCGCACTCGCG-3'